The following is an entry in ClinVar:

ClinVar aggregate classification (germline): Pathogenic (1 of 4 stars; one submission).

Conditions:
Androgen resistance syndrome (AIS). Also called: ANDROGEN RECEPTOR DEFICIENCY; DIHYDROTESTOSTERONE RECEPTOR DEFICIENCY; TESTICULAR FEMINIZATION SYNDROME; Androgen insensitivity syndrome due to coactivator deficiency; Androgen insensitivity syndrome; Androgen insensitivity. Identifiers: Orphanet 754, Orphanet 99429, MedGen C0039585, MONDO:0019154, OMIM 300068. Disease mechanism: loss of function.
Kennedy disease (SMAX1). Also called: SPINAL AND BULBAR MUSCULAR ATROPHY, X-LINKED 1; KENNEDY SPINAL AND BULBAR MUSCULAR ATROPHY; Spinal and Bulbar Muscular Atrophy. Identifiers: Orphanet 481, MedGen C1839259, MONDO:0010735, OMIM 313200.

Submission:

Labcorp Genetics (formerly Invitae), Labcorp
Classification: Pathogenic for Kennedy disease; Androgen resistance syndrome. Last evaluated: 2022-10-19. Review status: criteria provided, single submitter. Criteria: Invitae Variant Classification Sherloc (09022015). Collection method: clinical testing. Allele origin: germline.
Comment: For these reasons, this variant has been classified as Pathogenic. This variant has not been reported in the literature in individuals affected with AR-related conditions. This variant is not present in population databases (gnomAD no frequency). This sequence change creates a premature translational stop signal (p.Tyr408*) in the AR gene. It is expected to result in an absent or disrupted protein product. Loss-of-function variants in AR are known to be pathogenic (PMID: 19463997).

Literature cited by the submitters: PubMed 19463997.

NM_000044.6(AR):c.1224T>A (p.Tyr408Ter)

Gene: AR (androgen receptor; plus strand). Cytogenetic location: Xq12.
Variant type: single nucleotide variant.
Coding change: c.1224T>A on transcript NM_000044.6 (MANE Select); coding-DNA position 1224, T replaced by A.
Protein change: p.Tyr408Ter; replaces tyrosine 408 with a stop codon.
Molecular consequence: nonsense. On other transcripts: 5 prime UTR variant (1).
Genome position (GRCh38, 1-based): chrX:67,546,370, T>A. VCF-style: chrX-67546370-T-A. GRCh37 (hg19) VCF-style: chrX-66766212-T-A.
Other names: c.-560T>A (NM_001011645.3); c.1224T>A, p.Tyr408Ter (NM_001348061.1, NM_001348063.1, NM_001348064.1); short protein forms Y408*.
Identifiers: ClinVar variation 1999095 (VCV001999095.4), dbSNP rs2519608979, ClinGen allele CA413426683.